The following is an entry in ClinVar:

NM_006648.4(WNK2):c.1670A>T (p.Asp557Val)

Gene: WNK2 (WNK lysine deficient protein kinase 2; plus strand). Cytogenetic location: 9q22.31.
Variant type: single nucleotide variant.
Coding change: c.1670A>T on transcript NM_006648.4 (MANE Select); coding-DNA position 1670, A replaced by T.
Protein change: p.Asp557Val; replaces aspartic acid 557 with valine.
Molecular consequence: missense variant.
Genome position (GRCh38, 1-based): chr9:93,247,670, A>T. VCF-style: chr9-93247670-A-T. GRCh37 (hg19) VCF-style: chr9-96009952-A-T.
Other names: c.1670A>T, p.Asp557Val (NM_001282394.3); short protein forms D557V.
Identifiers: ClinVar variation 3816822 (VCV003816822.1).

ClinVar aggregate classification (germline): Uncertain significance (1 of 4 stars; one submission).

gnomAD v4.1: 3 of 1,578,072 alleles (0.00019%); highest among the groups gnomAD compares: Non-Finnish European, 0.00026%; no homozygotes.

Submission:

Ambry Genetics
Classification: Uncertain significance. Last evaluated: 2025-01-13. Review status: criteria provided, single submitter. Criteria: Ambry Variant Classification Scheme 2023. Collection method: clinical testing. Allele origin: germline.
Comment: The p.D557V variant (also known as c.1670A>T), located in coding exon 7 of the WNK2 gene, results from an A to T substitution at nucleotide position 1670. The aspartic acid at codon 557 is replaced by valine, an amino acid with highly dissimilar properties. This amino acid position is conserved. In addition, this alteration is predicted to be tolerated by in silico analysis. Based on the available evidence, the clinical significance of this variant remains unclear.